The following is an entry in ClinVar:

ClinVar aggregate classification (germline): Uncertain significance (1 of 4 stars; one submission).

Allele frequency attached by ClinVar (database versions not stated): TOPMed below 0.00001; ExAC 0.00001; gnomAD 0.00001; gnomAD exomes 0.00001; ESP Exome Variant Server 0.00017.
gnomAD v4.1: 8 of 764,752 alleles (0.001%); highest among the groups gnomAD compares: Non-Finnish European, 0.0019%; no homozygotes.

Submission:

CeGaT Center for Human Genetics Tuebingen
Classification: Uncertain significance. Last evaluated: 2024-01-01. Review status: criteria provided, single submitter. Criteria: CeGaT Center For Human Genetics Tuebingen Variant Classification Criteria Version 2. Collection method: clinical testing. Allele origin: germline. Affected: yes. Observed: 1 variant allele.
Comment: GABRB3: PP2, BP4

NC_000015.10:g.26939427G>A

Genes: GABRA5 (gamma-aminobutyric acid type A receptor subunit alpha5; plus strand), GABRB3 (gamma-aminobutyric acid type A receptor subunit beta3; minus strand). Cytogenetic location: 15q12.
Variant type: single nucleotide variant.
Molecular consequence: intron variant (on NM_000810.4).
Genome position: GRCh38 VCF-style: chr15-26939427-G-A. GRCh37 (hg19) VCF-style: chr15-27184574-G-A.
Other names: c.725-498G>A (NM_001165037.2, NM_000810.4).
Identifiers: ClinVar variation 3025521 (VCV003025521.22), dbSNP rs371886864, ClinGen allele CA7437946.